The following is an entry in ClinVar:

NM_003722.5(TP63):c.1027C>G (p.Arg343Gly)

Gene: TP63 (tumor protein p63; plus strand). Cytogenetic location: 3q28.
Variant type: single nucleotide variant.
Coding change: c.1027C>G on transcript NM_003722.5 (MANE Select); coding-DNA position 1027, C replaced by G.
Protein change: p.Arg343Gly; replaces arginine 343 with glycine.
Molecular consequence: missense variant.
Genome position (GRCh38, 1-based): chr3:189,868,614, C>G. VCF-style: chr3-189868614-C-G. GRCh37 (hg19) VCF-style: chr3-189586403-C-G.
Other names: c.1027C>G, p.Arg343Gly (NM_001114978.2, NM_001114979.2, NM_001329144.2 and 1 more transcripts); c.745C>G, p.Arg249Gly (NM_001114980.2, NM_001114981.2, NM_001114982.2 and 2 more transcripts); c.490C>G, p.Arg164Gly (NM_001329146.2, NM_001329150.2); c.1021C>G, p.Arg341Gly (NM_001329964.2); short protein forms R164G, R249G, R341G, R343G.
Identifiers: ClinVar variation 1051579 (VCV001051579.1), dbSNP rs886041251, ClinGen allele CA355755160.

ClinVar aggregate classification (germline): Uncertain significance (1 of 4 stars; one submission).

Conditions:
TP63-Related Spectrum Disorders.

Submission:

Labcorp Genetics (formerly Invitae), Labcorp
Classification: Uncertain significance. Last evaluated: 2020-02-01. Review status: criteria provided, single submitter. Criteria: Invitae Variant Classification Sherloc (09022015). Collection method: clinical testing. Allele origin: germline.
Comment: This sequence change replaces arginine with glycine at codon 343 of the TP63 protein (p.Arg343Gly). The arginine residue is highly conserved and there is a moderate physicochemical difference between arginine and glycine. This variant is not present in population databases (ExAC no frequency). This variant has been observed in individual(s) with clinical features of TP63-related conditions (Invitae). Algorithms developed to predict the effect of missense changes on protein structure and function are either unavailable or do not agree on the potential impact of this missense change (SIFT: Deleterious; PolyPhen-2: Benign; Align-GVGD: Class C4). This variant disrupts the p.Arg343 amino acid residue in TP63. Other variant(s) that disrupt this residue have been determined to be pathogenic (PMID: 20180707, 27028492, 12525544). This suggests that this residue is clinically significant, and that variants that disrupt this residue are likely to be disease-causing. In summary, the available evidence is currently insufficient to determine the role of this variant in disease. Therefore, it has been classified as a Variant of Uncertain Significance.

Literature cited by the submitters: PubMed 20180707; PubMed 27028492; PubMed 12525544.